The following is an entry in ClinVar:

ClinVar aggregate classification (germline): Uncertain significance (1 of 4 stars; one submission).

Conditions:
Emery-Dreifuss muscular dystrophy 5, autosomal dominant (EDMD5). Also called: EMERY-DREIFUSS MUSCULAR DYSTROPHY 5. Identifiers: Orphanet 261, MedGen C2751805, MONDO:0013072, OMIM 612999.

gnomAD v4.1: 1 of 1,614,128 alleles (0.000062%); highest among the groups gnomAD compares: Non-Finnish European, 0.000085%; no homozygotes.

Submission:

Labcorp Genetics (formerly Invitae), Labcorp
Classification: Uncertain significance for Emery-Dreifuss muscular dystrophy 5, autosomal dominant. Last evaluated: 2023-04-08. Review status: criteria provided, single submitter. Criteria: Invitae Variant Classification Sherloc (09022015). Collection method: clinical testing. Allele origin: germline.
Comment: In summary, the available evidence is currently insufficient to determine the role of this variant in disease. Therefore, it has been classified as a Variant of Uncertain Significance. Algorithms developed to predict the effect of missense changes on protein structure and function output the following: SIFT: "Not Available"; PolyPhen-2: "Benign"; Align-GVGD: "Not Available". The phenylalanine amino acid residue is found in multiple mammalian species, which suggests that this missense change does not adversely affect protein function. This variant has not been reported in the literature in individuals affected with SYNE2-related conditions. This variant is present in population databases (rs749207196, gnomAD 0.0009%). This sequence change replaces tyrosine, which is neutral and polar, with phenylalanine, which is neutral and non-polar, at codon 5651 of the SYNE2 protein (p.Tyr5651Phe).

NM_182914.3(SYNE2):c.16952A>T (p.Tyr5651Phe)

Gene: SYNE2 (spectrin repeat containing nuclear envelope protein 2; plus strand). Cytogenetic location: 14q23.2.
Variant type: single nucleotide variant.
Coding change: c.16952A>T on transcript NM_182914.3 (MANE Select); coding-DNA position 16952, A replaced by T.
Protein change: p.Tyr5651Phe; replaces tyrosine 5651 with phenylalanine.
Molecular consequence: missense variant.
Genome position (GRCh38, 1-based): chr14:64,168,923, A>T. VCF-style: chr14-64168923-A-T. GRCh37 (hg19) VCF-style: chr14-64635641-A-T.
Other names: c.16952A>T, p.Tyr5651Phe (NM_015180.6); short protein forms Y5651F.
Identifiers: ClinVar variation 2852900 (VCV002852900.3), dbSNP rs749207196, ClinGen allele CA7223549.